The following is an entry in ClinVar:

ClinVar aggregate classification (germline): Uncertain significance (1 of 4 stars; one submission).

Conditions:
Epileptic encephalopathy. Identifiers: MedGen C0543888, HP:0200134.

Submission:

Labcorp Genetics (formerly Invitae), Labcorp
Classification: Uncertain significance for Epileptic encephalopathy. Last evaluated: 2024-01-18. Review status: criteria provided, single submitter. Criteria: Invitae Variant Classification Sherloc (09022015). Collection method: clinical testing. Allele origin: germline.
Comment: This variant results in a copy number gain of the genomic region encompassing exon(s) 14-19 of the GABBR2 gene. This region includes the termination codon of the gene. This copy number gain extends beyond the assayed region for this gene and therefore may encompass additional genes. As the precise location of this event is unknown, it may be in tandem or it may be located elsewhere in the genome. This variant has not been reported in the literature in individuals affected with GABBR2-related conditions. Experimental studies and prediction algorithms are not available or were not evaluated, and the functional significance of this variant is currently unknown. In summary, the available evidence is currently insufficient to determine the role of this variant in disease. Therefore, it has been classified as a Variant of Uncertain Significance.

NC_000009.11:g.(?_101052866)_(101073507_?)dup

Gene: GABBR2 (gamma-aminobutyric acid type B receptor subunit 2; minus strand). Cytogenetic location: 9q22.33.
Variant type: Duplication.
Identifiers: ClinVar variation 2425355 (VCV002425355.4).